The following is an entry in ClinVar:

NM_004655.4(AXIN2):c.153C>T (p.Val51=)

Gene: AXIN2 (axin 2; minus strand). Cytogenetic location: 17q24.1.
Variant type: single nucleotide variant.
Coding change: c.153C>T on transcript NM_004655.4 (MANE Select); coding-DNA position 153, C replaced by T.
Protein change: p.Val51=; no amino-acid change (valine 51 retained).
Molecular consequence: synonymous variant.
Genome position (GRCh38, 1-based): chr17:65,558,468, G>A on the plus strand (C>T on the coding strand, the complement: AXIN2 is on the minus strand). VCF-style: chr17-65558468-G-A. GRCh37 (hg19) VCF-style: chr17-63554586-G-A.
Other names: c.153C>T, p.Val51= (NM_001363813.1).
Identifiers: ClinVar variation 2086695 (VCV002086695.7), dbSNP rs763946063, ClinGen allele CA501691533.

ClinVar aggregate classification (germline): Benign/Likely benign. Review status: criteria provided, multiple submitters, no conflicts (2 of 4 stars). 3 submissions from 3 submitters: Benign (1); Likely benign (2). Last evaluated 2024-06-25.

Conditions:
Oligodontia-cancer predisposition syndrome. Also called: TOOTH AGENESIS-COLORECTAL CANCER SYNDROME. Identifiers: Orphanet 300576, MedGen C1837750, MONDO:0012075, OMIM 608615. Disease mechanism: loss of function.
Hereditary cancer-predisposing syndrome. Also called: Tumor predisposition; Neoplastic Syndromes, Hereditary; Hereditary Cancer Syndrome; Hereditary neoplastic syndrome. Identifiers: Orphanet 140162, MedGen C0027672, MeSH D009386, MONDO:0015356.

Submissions (3):

Myriad Genetics, Inc.
Classification: Benign for Oligodontia-cancer predisposition syndrome. Last evaluated: 2024-06-25. Review status: criteria provided, single submitter. Criteria: Myriad Autosomal Dominant, Autosomal Recessive and X-Linked Classification Criteria (2023). Collection method: clinical testing. Allele origin: unknown.
Comment: This variant is considered benign. This variant is a silent/synonymous amino acid change and it is not expected to impact splicing.

Ambry Genetics
Classification: Likely benign for Hereditary cancer-predisposing syndrome. Last evaluated: 2023-07-03. Review status: criteria provided, single submitter. Criteria: Ambry Variant Classification Scheme 2023. Collection method: clinical testing. Allele origin: germline.

Labcorp Genetics (formerly Invitae), Labcorp
Classification: Likely benign for Oligodontia-cancer predisposition syndrome. Last evaluated: 2022-02-15. Review status: criteria provided, single submitter. Criteria: Invitae Variant Classification Sherloc (09022015). Collection method: clinical testing. Allele origin: germline.